The following is an entry in ClinVar:

NM_007214.5(SEC63):c.1440+4A>T

Gene: SEC63 (SEC63 protein translocation regulator; minus strand). Cytogenetic location: 6q21.
Variant type: single nucleotide variant.
Coding change: c.1440+4A>T on transcript NM_007214.5 (MANE Select); 4 bases into the intron after coding-DNA position 1440, A replaced by T.
Molecular consequence: intron variant.
Genome position (GRCh38, 1-based): chr6:107,897,645, T>A on the plus strand (A>T on the coding strand, the complement: SEC63 is on the minus strand). VCF-style: chr6-107897645-T-A. GRCh37 (hg19) VCF-style: chr6-108218849-T-A.
Identifiers: ClinVar variation 5001950 (VCV005001950.1).

ClinVar aggregate classification (germline): Uncertain significance (1 of 4 stars; one submission).

Conditions:
SEC63-related disorder. Also called: SEC63-related condition.

Submission:

PreventionGenetics, part of Exact Sciences
Classification: Uncertain significance for SEC63-related condition. Last evaluated: 2024-12-03. Review status: criteria provided, single submitter. Criteria: ACMG Guidelines, 2015. Collection method: clinical testing. Allele origin: germline.
Comment: The SEC63 c.1440+4A>T variant is predicted to interfere with splicing. This variant is predicted to alter splicing based on available splicing prediction programs (SpliceAI, Jaganathan et al. 2019. PubMed ID: 30661751). However, the use of computer prediction programs is not equivalent to functional evidence. To our knowledge, this variant has not been reported in the literature or in a large population database (gnomAD), indicating this variant is rare. At this time, the clinical significance of this variant is uncertain due to the absence of conclusive functional and genetic evidence.